The following is an entry in ClinVar:

NM_000051.4(ATM):c.5878del (p.Ile1960fs)

Genes: ATM (ATM serine/threonine kinase; plus strand), C11orf65 (chromosome 11 open reading frame 65; minus strand). Cytogenetic location: 11q22.3.
Variant type: Deletion.
Coding change: c.5878del on transcript NM_000051.4 (MANE Select); coding-DNA position 5878, one base deleted (A; older notation c.5878delA).
Protein change: p.Ile1960fs; shifts the reading frame from isoleucine 1960.
Molecular consequence: frameshift variant. On other transcripts: intron variant (2).
Genome position (GRCh38, 1-based): chr11:108,310,275, A deleted; the last of 3 consecutive A bases (chr11:108,310,273-108,310,275); deleting any one gives the same sequence. VCF-style (leftmost placement, unchanged base first): chr11-108310272-GA-G. GRCh37 (hg19) VCF-style: chr11-108180999-GA-G.
Other names: c.5878del, p.Ile1960fs (NM_001351834.2); c.641-1202del (NM_001330368.2); c.*39-1202del (NM_001351110.2); short protein forms I1960fs.
Identifiers: ClinVar variation 3148460 (VCV003148460.1), dbSNP rs2547029575, ClinGen allele CA2695215404.

ClinVar aggregate classification (germline): Pathogenic (1 of 4 stars; one submission).

Conditions:
Familial cancer of breast. Also called: hereditary breast carcinoma; BREAST CANCER, FAMILIAL; Hereditary breast cancer. Identifiers: Orphanet 227535, MedGen C0346153, MONDO:0016419, OMIM 114480. Disease mechanism: loss of function.

Submission:

Myriad Genetics, Inc.
Classification: Pathogenic for Familial cancer of breast. Last evaluated: 2024-01-26. Review status: criteria provided, single submitter. Criteria: Myriad Autosomal Dominant, Autosomal Recessive and X-Linked Classification Criteria (2023). Collection method: clinical testing. Allele origin: unknown.
Comment: This variant is considered pathogenic. This variant creates a frameshift predicted to result in premature protein truncation.